The following is an entry in ClinVar:

NM_172107.4(KCNQ2):c.2377G>C (p.Val793Leu)

Gene: KCNQ2 (potassium voltage-gated channel subfamily Q member 2; minus strand). Cytogenetic location: 20q13.33.
Variant type: single nucleotide variant.
Coding change: c.2377G>C on transcript NM_172107.4 (MANE Select); coding-DNA position 2377, G replaced by C.
Protein change: p.Val793Leu; replaces valine 793 with leucine.
Molecular consequence: missense variant.
Genome position (GRCh38, 1-based): chr20:63,406,886, C>G on the plus strand (G>C on the coding strand, the complement: KCNQ2 is on the minus strand). VCF-style: chr20-63406886-C-G. GRCh37 (hg19) VCF-style: chr20-62038239-C-G.
Other names: c.2431G>C, p.Val811Leu (NM_001382235.1); c.2293G>C, p.Val765Leu (NM_004518.6); c.2323G>C, p.Val775Leu (NM_172106.3); c.2284G>C, p.Val762Leu (NM_172108.5); short protein forms V762L, V765L, V775L, V793L, V811L.
Identifiers: ClinVar variation 2573137 (VCV002573137.2), dbSNP rs377227909, ClinGen allele CA409637410.

Conditions:
Complex neurodevelopmental disorder. Identifiers: Orphanet 528084, MedGen C5568766, MONDO:0100038.

Submission:

Channelopathy-Associated Epilepsy Research Center
No classification provided (evidence only). Condition: Complex neurodevelopmental disorder. Review status: no classification provided. Collection method: literature only. Allele origin: not applicable. Functional consequence: Mild decrease in peak current, Normal rate of activation, Normal voltage dependence of activation.
ClinVar note: "not provided" was previously submitted as the classification for the variant. However, the classification appeared to be based only on an observation of functional data so it was converted to no classification on 2025-07-30.

Literature cited by the submitters: PubMed 35104249.